The following is an entry in ClinVar:

ClinVar aggregate classification (germline): Pathogenic (1 of 4 stars; one submission).

Conditions:
Pfeiffer syndrome (ACS5). Also called: ACS V. Identifiers: Orphanet 710, MedGen C0220658, MONDO:0007043, OMIM 101600.
Hypogonadotropic hypogonadism 2 with or without anosmia (HH2). Also called: HYPOGONADOTROPIC HYPOGONADISM 2 WITH OR WITHOUT ANOSMIA, SUSCEPTIBILITY TO; HYPOGONADOTROPIC HYPOGONADISM 2 WITHOUT ANOSMIA; HYPOGONADOTROPIC HYPOGONADISM 2 WITHOUT ANOSMIA, SUSCEPTIBILITY TO; FGFR1-Related GnRH Deficiency (Kallmann Syndrome 2). Identifiers: Orphanet 478, MedGen C1563720, MONDO:0007844, OMIM 147950. Disease mechanism: loss of function.

Submission:

Labcorp Genetics (formerly Invitae), Labcorp
Classification: Pathogenic for Pfeiffer syndrome; Hypogonadotropic hypogonadism 2 with or without anosmia. Last evaluated: 2023-06-30. Review status: criteria provided, single submitter. Criteria: Invitae Variant Classification Sherloc (09022015). Collection method: clinical testing. Allele origin: germline.
Comment: For these reasons, this variant has been classified as Pathogenic. This variant has not been reported in the literature in individuals affected with FGFR1-related conditions. This variant is not present in population databases (gnomAD no frequency). This sequence change creates a premature translational stop signal (p.His649Profs*16) in the FGFR1 gene. It is expected to result in an absent or disrupted protein product. Loss-of-function variants in FGFR1 are known to be pathogenic (PMID: 12627230).

Literature cited by the submitters: PubMed 12627230.

NM_023110.3(FGFR1):c.1946del (p.His649fs)

Gene: FGFR1 (fibroblast growth factor receptor 1; minus strand). Cytogenetic location: 8p11.23.
Variant type: Deletion.
Coding change: c.1946del on transcript NM_023110.3 (MANE Select); coding-DNA position 1946, one base deleted (A; older notation c.1946delA).
Protein change: p.His649fs; shifts the reading frame from histidine 649.
Molecular consequence: frameshift variant.
Genome position (GRCh38, 1-based): chr8:38,414,810, T deleted on the plus strand (A on the coding strand, the reverse complement: FGFR1 is on the minus strand). VCF-style (leftmost placement, unchanged base first): chr8-38414809-GT-G. GRCh37 (hg19) VCF-style: chr8-38272327-GT-G.
Other names: c.1946delA, p.His649Profs (NM_000604.2); c.1940del, p.His647fs (NM_001174063.2, NM_001174065.2, NM_001354367.2 and 1 more transcripts); c.1916del, p.His639fs (NM_001174064.2); c.1679del, p.His560fs (NM_001174066.2, NM_023105.3); c.2039del, p.His680fs (NM_001174067.2); c.1667del, p.His556fs (NM_001354368.2); c.1934del, p.His645fs (NM_001354369.2, NM_001410922.1); c.1673del, p.His558fs (NM_001354370.2, NM_023106.3); short protein forms H556fs, H639fs, H647fs, H649fs, H558fs, H645fs, H680fs, H560fs.
Identifiers: ClinVar variation 2949496 (VCV002949496.3), dbSNP rs2536817757, ClinGen allele CA2740094992.